The following is an entry in ClinVar:

NM_001184.4(ATR):c.4266+120A>T

Gene: ATR (ATR checkpoint kinase; minus strand). Cytogenetic location: 3q23.
Variant type: single nucleotide variant.
Coding change: c.4266+120A>T on transcript NM_001184.4 (MANE Select); 120 bases into the intron after coding-DNA position 4266, A replaced by T.
Molecular consequence: intron variant.
Genome position (GRCh38, 1-based): chr3:142,522,608, T>A on the plus strand (A>T on the coding strand, the complement: ATR is on the minus strand). VCF-style: chr3-142522608-T-A. GRCh37 (hg19) VCF-style: chr3-142241450-T-A.
Other names: c.4074+120A>T (NM_001354579.2).
Identifiers: ClinVar variation 677433 (VCV000677433.1), dbSNP rs79992910, ClinGen allele CA84725415.

ClinVar aggregate classification (germline): Benign (1 of 4 stars; one submission).

Allele frequency attached by ClinVar (database versions not stated): gnomAD exomes 0.00183; 1000 Genomes Project 0.01717; gnomAD 0.01764 and 0.01901; 1000 Genomes Project 30x 0.01874; TOPMed 0.02040.

Submission:

GeneDx
Classification: Benign. Last evaluated: 2018-06-16. Review status: criteria provided, single submitter. Criteria: GeneDx Variant Classification (06012015). Collection method: clinical testing. Allele origin: germline. Affected: yes.
Comment: This variant is considered likely benign or benign based on one or more of the following criteria: it is a conservative change, it occurs at a poorly conserved position in the protein, it is predicted to be benign by multiple in silico algorithms, and/or has population frequency not consistent with disease.